The following is an entry in ClinVar:

ClinVar aggregate classification (germline): Pathogenic/Likely pathogenic. Review status: criteria provided, multiple submitters, no conflicts (2 of 4 stars). 10 submissions from 10 submitters: Pathogenic (8); Likely pathogenic (1). 1 of the submissions does not count toward it. Last evaluated 2025-12-04.

Conditions:
TUBB4A-related neurologic disorder. Identifiers: MedGen CN375930, MONDO:0800470.
TUBB4A-related disorder. Also called: TUBB4A-related condition.
Torsion dystonia 4. Also called: DYSTONIA MUSCULORUM DEFORMANS 4; DYT-TUBB4A (Autosomal Dominant Torsion Dystonia). Identifiers: Orphanet 98805, MedGen C1851943, MONDO:0007493, OMIM 128101.
Leukodystrophy, hypomyelinating, 6. Also called: LEUKODYSTROPHY, HYPOMYELINATING, WITH ATROPHY OF THE BASAL GANGLIA AND CEREBELLUM; Hypomyelination with Atrophy of Basal Ganglia and Cerebellum (H-ABC); TUBB4A-Associated Leukodystrophy. Identifiers: Orphanet 139441, MedGen C2676244, MONDO:0012905, OMIM 612438.

Submissions (10):

3billion
Classification: Pathogenic for Leukodystrophy, hypomyelinating, 6. Last evaluated: 2025-12-04. Review status: criteria provided, single submitter. Criteria: ACMG Guidelines, 2015. Collection method: clinical testing. Allele origin: germline. Affected: yes.
Comment: The variant is not observed in the gnomAD v4.1.0 dataset. Predicted Consequence/Location: Missense variant. Missense changes are a common disease-causing mechanism. In silico tool predictions suggest damaging effect of the variant on gene or gene product [REVEL: 0.96 (>=0.6, sensitivity 0.68 and specificity 0.92); 3Cnet: 0.97 (> 0.75, sensitivity 0.96 and precision 0.92)]. The same nucleotide change resulting in the same amino acid change has been previously reported as pathogenic/likely pathogenic with strong evidence (ClinVar ID: VCV000267793 /PMID: 25085639 /3billion dataset). A different missense change at the same codon (p.Arg391Leu) has been reported as pathogenic/likely pathogenic with strong evidence (ClinVar ID: VCV000419697 /PMID: 34514881). Therefore, this variant is classified as Pathogenic according to the recommendation of ACMG/AMP guideline.

Labcorp Genetics (formerly Invitae), Labcorp
Classification: Pathogenic for Leukodystrophy, hypomyelinating, 6. Last evaluated: 2025-10-02. Review status: criteria provided, single submitter. Criteria: Invitae Variant Classification Sherloc (09022015). Collection method: clinical testing. Allele origin: germline.
Comment: This sequence change replaces arginine, which is basic and polar, with histidine, which is basic and polar, at codon 391 of the TUBB4A protein (p.Arg391His). This variant is not present in population databases (gnomAD no frequency). This missense change has been observed in individual(s) with clinical features of hypomyelinating leukodystrophy (PMID: 25085639; internal data). In at least one individual the variant was observed to be de novo. ClinVar contains an entry for this variant (Variation ID: 267793). Invitae Evidence Modeling of protein sequence and biophysical properties (such as structural, functional, and spatial information, amino acid conservation, physicochemical variation, residue mobility, and thermodynamic stability) indicates that this missense variant is expected to disrupt TUBB4A protein function with a positive predictive value of 80%. For these reasons, this variant has been classified as Pathogenic.

CeGaT Center for Human Genetics Tuebingen
Classification: Pathogenic. Last evaluated: 2025-02-01. Review status: criteria provided, single submitter. Criteria: CeGaT Center For Human Genetics Tuebingen Variant Classification Criteria Version 2. Collection method: clinical testing. Allele origin: germline. Affected: yes. Observed: 4 variant alleles.
Comment: TUBB4A: PM2, PM5, PM6, PS4:Moderate, PP2, PP3

Blueprint Genetics
Classification: Pathogenic for TUBB4A-related disorders. Last evaluated: 2024-11-22. Review status: criteria provided, single submitter. Criteria: ACMG Guidelines, 2015. Collection method: clinical testing. Allele origin: germline. Affected: yes. Observed: 2 variant alleles.

Victorian Clinical Genetics Services, Murdoch Childrens Research Institute
Classification: Pathogenic for TUBB4A-related neurologic disorder. Last evaluated: 2024-10-10. Review status: criteria provided, single submitter. Criteria: ACMG Guidelines, 2015. Collection method: clinical testing. Allele origin: germline. Affected: yes.
Comment: This variant is classified as Pathogenic. Evidence in support of pathogenic classification: Variant is absent from gnomAD (v2, v3 and v4); This variant has strong previous evidence of pathogenicity in unrelated individuals. This variant has been classified as likely pathogenic/pathogenic by clinical laboratories in ClinVar and has been reported in the literature in de novo individuals with TUBB4A-related features (PMIDs: 25085639, 38818036, 34788679); Another missense variant(s) comparable to the one identified in this case has moderate previous evidence for pathogenicity. An alternative change, p.(Arg391Leu), has been classified by multiple clinical laboratories as likely pathogenic/pathogenic and once as a VUS (ClinVar). This variant has also been reported in the literature as pathogenic in a de novo individual with syndromic intellectual disability (PMID: 35599849); Missense variant predicted to be damaging by an in silico tool or highly conserved with a major amino acid change. Additional information: Variant is predicted to result in a missense amino acid change from arginine to histidine; This variant is heterozygous; This gene is associated with autosomal dominant disease; An alternative amino acid change at the same position has been observed in gnomAD (v4: 1 heterozygote(s), 0 homozygote(s)); No published segregation evidence has been identified for this variant; No published functional evidence has been identified for this variant; Variant is not located in an established domain, motif, hotspot or informative constraint region; The mechanism of disease for this gene is not clearly established; however, dominant negative and loss of function have been suggested (PMIDs: 28973395, 33027950). (I) - Inheritance information for this variant is not currently available in this individual.

GeneDx
Classification: Pathogenic. Last evaluated: 2023-05-10. Review status: criteria provided, single submitter. Criteria: GeneDx Variant Classification Process June 2021. Collection method: clinical testing. Allele origin: germline. Affected: yes.
Comment: Not observed at significant frequency in large population cohorts (gnomAD); In silico analysis supports that this missense variant has a deleterious effect on protein structure/function; This variant is associated with the following publications: (PMID: 27809427, 26934450, 27159321, 35661708, 32681585, 36463079, 34997144, 34788679, 33547136, 34514881, 25085639, 35599849)

Molecular Diagnostics Lab, Nemours Children's Health, Delaware
Classification: Likely pathogenic for Leukodystrophy, hypomyelinating, 6. Last evaluated: 2020-12-29. Review status: criteria provided, single submitter. Criteria: ACMG Guidelines, 2015. Collection method: clinical testing. Allele origin: unknown. Inheritance: Autosomal dominant inheritance. Affected: yes. Observed: 1 heterozygote.
Comment: This missense variant (c.1172G>A, p.Arg391Met) has not been observed in population databases (gnomAD). It has been reported in the literature (PMID 25085639). Variant prediction programs suggest a deleterious effect, although no functional studies have been published.

Institute of Medical Genetics and Applied Genomics, University Hospital Tübingen
Classification: Pathogenic. Last evaluated: 2020-10-23. Review status: criteria provided, single submitter. Criteria: ACMG Guidelines, 2015. Collection method: clinical testing. Allele origin: germline. Inheritance: Unknown mechanism. Affected: yes.

Clinical Biomedical Laboratory, Shriners Hospital For Children - Canada
Classification: Pathogenic for Leukodystrophy, hypomyelinating, 6. Review status: criteria provided, single submitter. Criteria: ACMG Guidelines, 2015. Collection method: clinical testing. Allele origin: germline. Affected: yes.
Comment: This variant is absent in the Genome Aggregation Database (gnomAD v2.1.1), indicating it is very rare. Computational tools (REVEL: 0.96) suggest that the amino acid change is deleterious to protein function. Defects in this gene are associated with hypomyelinating leukodystrophy 6, which has considerable overlap with the phenotype of the proband. This variant has been described in the literature (PMID 25085639). Based on the ACMG variant interpretation guidelines (criteria: PS3, PM1, PM2, PM5, PP2, PP3), the available evidence supports classification of this variant as pathogenic.

GeneReviews
No classification provided. Condition: Leukodystrophy, hypomyelinating, 6. Review status: no classification provided. Collection method: literature only. Allele origin: germline. Affected: yes. Not counted in ClinVar's aggregate classification.

Literature cited by the submitters: PubMed 34514881 (cited by 3billion); PubMed 25085639 (cited by 6 submitters); PubMed 34788679 (cited by Victorian Clinical Genetics Services, Murdoch Childrens Research Institute); PubMed 35599849 (cited by Victorian Clinical Genetics Services, Murdoch Childrens Research Institute); PubMed 38818036 (cited by Victorian Clinical Genetics Services, Murdoch Childrens Research Institute); PubMed 33027950 (cited by Victorian Clinical Genetics Services, Murdoch Childrens Research Institute); PubMed 28973395 (cited by Victorian Clinical Genetics Services, Murdoch Childrens Research Institute); NCBI Bookshelf NBK395611 (cited by GeneReviews).

NM_006087.4(TUBB4A):c.1172G>A (p.Arg391His)

Gene: TUBB4A (tubulin beta 4A class IVa; minus strand). Cytogenetic location: 19p13.3.
Variant type: single nucleotide variant.
Coding change: c.1172G>A on transcript NM_006087.4 (MANE Select); coding-DNA position 1172, G replaced by A.
Protein change: p.Arg391His; replaces arginine 391 with histidine.
Molecular consequence: missense variant.
Genome position (GRCh38, 1-based): chr19:6,495,327, C>T on the plus strand (G>A on the coding strand, the complement: TUBB4A is on the minus strand). VCF-style: chr19-6495327-C-T. GRCh37 (hg19) VCF-style: chr19-6495338-C-T.
Other names: c.1325G>A, p.Arg442His (NM_001289123.2); c.1307G>A, p.Arg436His (NM_001289127.2); c.1172G>A, p.Arg391His (NM_001289129.2); c.956G>A, p.Arg319His (NM_001289130.2, NM_001289131.2); c.1172G>A (NM_006087.2); short protein forms R442H, R391H, R436H, R319H.
Identifiers: ClinVar variation 267793 (VCV000267793.58), dbSNP rs886041021, ClinGen allele CA10602617.